The following is an entry in ClinVar:

NM_001267550.2(TTN):c.69806G>A (p.Gly23269Glu)

Genes: TTN (titin; minus strand), TTN-AS1 (TTN antisense RNA 1; plus strand), LOC126806422 (BRD4-independent group 4 enhancer GRCh37_chr2:179440205-179441404; plus strand). Cytogenetic location: 2q31.2.
Variant type: single nucleotide variant.
Coding change: c.69806G>A on transcript NM_001267550.2 (MANE Select); coding-DNA position 69806, G replaced by A.
Protein change: p.Gly23269Glu; replaces glycine 23269 with glutamic acid.
Molecular consequence: missense variant.
Genome position (GRCh38, 1-based): chr2:178,576,326, C>T on the plus strand (G>A on the coding strand, the complement: TTN is on the minus strand). VCF-style: chr2-178576326-C-T. GRCh37 (hg19) VCF-style: chr2-179441053-C-T.
Other names: c.64883G>A, p.Gly21628Glu (NM_001256850.1); c.42611G>A, p.Gly14204Glu (NM_003319.4); c.62102G>A, p.Gly20701Glu (NM_133378.4); c.42986G>A, p.Gly14329Glu (NM_133432.3); c.43187G>A, p.Gly14396Glu (NM_133437.4); short protein forms G14204E, G14329E, G14396E, G21628E, G23269E, G20701E.
Identifiers: ClinVar variation 1739172 (VCV001739172.6), dbSNP rs750182587, ClinGen allele CA1990875.

ClinVar aggregate classification (germline): Conflicting classifications of pathogenicity. Review status: criteria provided, conflicting classifications (1 of 4 stars). 4 submissions from 4 submitters: Uncertain significance (3); Likely benign (1). Last evaluated 2026-06-29.

Conditions:
Cardiomyopathy (CMYO). Also called: Cardiomyopathies. Identifiers: Orphanet 167848, MedGen C0878544, MONDO:0004994, HP:0001638. Inheritance: Various modes of inheritance.
TTN-related disorder. Also called: TTN-related disorders; TTN-related condition; TTN-related disease.
Cardiovascular phenotype. Identifiers: MedGen CN230736.

Allele frequency attached by ClinVar (database versions not stated): TOPMed 0.00002; ExAC 0.00003; gnomAD 0.00003; gnomAD exomes 0.00003.
gnomAD v4.1: 48 of 1,569,578 alleles (0.0031%); highest among the groups gnomAD compares: African/African-American, 0.0041%; no homozygotes.

Submissions (4):

PreventionGenetics, part of Exact Sciences
Classification: Uncertain significance for TTN-related condition. Last evaluated: 2026-06-29. Review status: criteria provided, single submitter. Criteria: ACMG Guidelines, 2015. Collection method: clinical testing. Allele origin: germline.
Comment: The TTN c.69806G>A variant is predicted to result in the amino acid substitution p.Gly23269Glu. To our knowledge, this variant has not been reported in the literature. This variant is reported in 0.0068% of alleles in individuals of African descent in gnomAD. At this time, the clinical significance of this variant is uncertain due to the absence of conclusive functional and genetic evidence.

Revvity Omics, Revvity
Classification: Uncertain significance. Last evaluated: 2025-04-14. Review status: criteria provided, single submitter. Criteria: ACMG Guidelines, 2015. Collection method: clinical testing. Allele origin: germline.

CHEO Genetics Diagnostic Laboratory, Children's Hospital of Eastern Ontario
Classification: Likely benign for Cardiomyopathy. Last evaluated: 2022-11-14. Review status: criteria provided, single submitter. Criteria: ACMG Guidelines, 2015. Collection method: clinical testing. Allele origin: germline.

Ambry Genetics
Classification: Uncertain significance for Cardiovascular phenotype. Last evaluated: 2019-05-02. Review status: criteria provided, single submitter. Criteria: Ambry Variant Classification Scheme 2023. Collection method: clinical testing. Allele origin: germline.
Comment: The p.G14204E variant (also known as c.42611G>A), located in coding exon 153 of the TTN gene, results from a G to A substitution at nucleotide position 42611. The glycine at codon 14204 is replaced by glutamic acid, an amino acid with similar properties. This amino acid position is highly conserved in available vertebrate species. In addition, the in silico prediction for this alteration is inconclusive. Since supporting evidence is limited at this time, the clinical significance of this alteration remains unclear